The following is an entry in ClinVar:

ClinVar aggregate classification (germline): Benign/Likely benign. Review status: criteria provided, multiple submitters, no conflicts (2 of 4 stars). 5 submissions from 5 submitters: Benign (1); Likely benign (3). 1 of the submissions does not count toward it. Last evaluated 2025-11-22.

Conditions:
NOTCH3-related disorder. Also called: NOTCH3-related condition; NOTCH3-related disorders.

Allele frequency attached by ClinVar (database versions not stated): ExAC 0.00007; ESP Exome Variant Server 0.00008.

Submissions (5):

Labcorp Genetics (formerly Invitae), Labcorp
Classification: Likely benign. Last evaluated: 2025-11-22. Review status: criteria provided, single submitter. Criteria: Invitae Variant Classification Sherloc (09022015). Collection method: clinical testing. Allele origin: germline.

Women's Health and Genetics/Laboratory Corporation of America, LabCorp
Classification: Benign. Last evaluated: 2025-05-19. Review status: criteria provided, single submitter. Criteria: LabCorp Variant Classification Summary - May 2015. Collection method: clinical testing. Allele origin: germline.

Blueprint Genetics
Classification: Likely benign. Last evaluated: 2023-06-29. Review status: criteria provided, single submitter. Criteria: ACMG Guidelines, 2015. Collection method: clinical testing. Allele origin: germline.

CeGaT Center for Human Genetics Tuebingen
Classification: Likely benign. Last evaluated: 2023-02-01. Review status: criteria provided, single submitter. Criteria: CeGaT Center For Human Genetics Tuebingen Variant Classification Criteria Version 2. Collection method: clinical testing. Allele origin: germline. Affected: yes. Observed: 1 variant allele.
Comment: NOTCH3: BP4, BP7

PreventionGenetics, part of Exact Sciences
Classification: Likely benign for NOTCH3-related condition. Last evaluated: 2023-07-05. Review status: no assertion criteria provided. Collection method: clinical testing. Allele origin: germline. Not counted in ClinVar's aggregate classification.
Comment: This variant is classified as likely benign based on ACMG/AMP sequence variant interpretation guidelines (Richards et al. 2015 PMID: 25741868, with internal and published modifications).

NM_000435.3(NOTCH3):c.2052G>A (p.Pro684=)

Gene: NOTCH3 (notch receptor 3; minus strand). Cytogenetic location: 19p13.12.
Variant type: single nucleotide variant.
Coding change: c.2052G>A on transcript NM_000435.3 (MANE Select); coding-DNA position 2052, G replaced by A.
Protein change: p.Pro684=; no amino-acid change (proline 684 retained).
Molecular consequence: synonymous variant.
Genome position (GRCh38, 1-based): chr19:15,185,579, C>T on the plus strand (G>A on the coding strand, the complement: NOTCH3 is on the minus strand). VCF-style: chr19-15185579-C-T. GRCh37 (hg19) VCF-style: chr19-15296390-C-T.
Other names: c.2052G>A (NM_000435.2).
Identifiers: ClinVar variation 2649440 (VCV002649440.27), dbSNP rs141399324, ClinGen allele CA9263457.